The following is an entry in ClinVar:

ClinVar aggregate classification (germline): Conflicting classifications of pathogenicity. Review status: criteria provided, conflicting classifications (1 of 4 stars). 4 submissions from 4 submitters: Uncertain significance (3); Likely benign (1). Last evaluated 2025-10-25.

Conditions:
Cardiovascular phenotype. Identifiers: MedGen CN230736.
EYA4-related disorder. Also called: EYA4-related disorders; EYA4-related condition. Identifiers: MedGen CN239388.
Dilated cardiomyopathy 1J (CMD1J). Also called: CARDIOMYOPATHY, DILATED, WITH SENSORINEURAL HEARING LOSS, AUTOSOMAL DOMINANT. Identifiers: Orphanet 217622, MedGen C1854368, MONDO:0011541, OMIM 605362.

Allele frequency attached by ClinVar (database versions not stated): gnomAD exomes below 0.00001; TOPMed below 0.00001; gnomAD 0.00001.
gnomAD v4.1: 3 of 1,612,790 alleles (0.00019%); highest among the groups gnomAD compares: Non-Finnish European, 0.00025%; no homozygotes.

Submissions (4):

Labcorp Genetics (formerly Invitae), Labcorp
Classification: Uncertain significance for Dilated cardiomyopathy 1J. Last evaluated: 2025-10-25. Review status: criteria provided, single submitter. Criteria: Invitae Variant Classification Sherloc (09022015). Collection method: clinical testing. Allele origin: germline.
Comment: This sequence change affects codon 323 of the EYA4 mRNA. It is a 'silent' change, meaning that it does not change the encoded amino acid sequence of the EYA4 protein. It affects a nucleotide within the consensus splice site. This variant is not present in population databases (gnomAD no frequency). This variant has not been reported in the literature in individuals affected with EYA4-related conditions. ClinVar contains an entry for this variant (Variation ID: 1767831). Algorithms developed to predict the effect of sequence changes on RNA splicing suggest that this variant may disrupt the consensus splice site. In summary, the available evidence is currently insufficient to determine the role of this variant in disease. Therefore, it has been classified as a Variant of Uncertain Significance.

Women's Health and Genetics/Laboratory Corporation of America, LabCorp
Classification: Uncertain significance. Last evaluated: 2025-04-07. Review status: criteria provided, single submitter. Criteria: LabCorp Variant Classification Summary - May 2015. Collection method: clinical testing. Allele origin: germline.

PreventionGenetics, part of Exact Sciences
Classification: Uncertain significance for EYA4-related condition. Last evaluated: 2024-10-22. Review status: criteria provided, single submitter. Criteria: ACMG Guidelines, 2015. Collection method: clinical testing. Allele origin: germline.
Comment: The EYA4 c.969A>T variant is not predicted to result in an amino acid change (p.=). This variant occurs at the second to last nucleotide of exon 11 and is predicted to decrease the strength of the canonical splice donor site (SpliceAI, Jaganathan et al. 2019. PubMed ID: 30661751). To our knowledge, this variant has not been reported in the literature or in a large population database (gnomAD), indicating this variant is rare. At this time, the clinical significance of this variant is uncertain due to the absence of conclusive functional and genetic evidence.

Ambry Genetics
Classification: Likely benign for Cardiovascular phenotype. Last evaluated: 2021-03-27. Review status: criteria provided, single submitter. Criteria: Ambry Variant Classification Scheme 2023. Collection method: clinical testing. Allele origin: germline.

NM_004100.5(EYA4):c.969A>T (p.Pro323=)

Gene: EYA4 (EYA transcriptional coactivator and phosphatase 4; plus strand). Cytogenetic location: 6q23.2.
Variant type: single nucleotide variant.
Coding change: c.969A>T on transcript NM_004100.5 (MANE Select); coding-DNA position 969, A replaced by T.
Protein change: p.Pro323=; no amino-acid change (proline 323 retained).
Molecular consequence: synonymous variant.
Genome position (GRCh38, 1-based): chr6:133,468,730, A>T. VCF-style: chr6-133468730-A-T. GRCh37 (hg19) VCF-style: chr6-133789868-A-T.
Other names: c.807A>T, p.Pro269= (NM_001301012.2, NM_001370459.1); c.969A>T, p.Pro323= (NM_001301013.2, NM_172105.4); c.900A>T, p.Pro300= (NM_001370458.1, NM_172103.4).
Identifiers: ClinVar variation 1767831 (VCV001767831.12), dbSNP rs1191157047, ClinGen allele CA452189742.